The following is an entry in ClinVar:

ClinVar aggregate classification (germline): Benign (1 of 4 stars; one submission).

Allele frequency attached by ClinVar (database versions not stated): 1000 Genomes Project 30x 0.35400; 1000 Genomes Project 0.35982; TOPMed 0.47129; gnomAD 0.50066 and 0.50090.
gnomAD v4.1: 76,380 of 152,054 alleles (50%); highest among the groups gnomAD compares: Non-Finnish European, 71%; 23,952 homozygotes.

Submission:

GeneDx
Classification: Benign. Last evaluated: 2018-06-14. Review status: criteria provided, single submitter. Criteria: GeneDx Variant Classification (06012015). Collection method: clinical testing. Allele origin: germline. Affected: yes.
Comment: This variant is considered likely benign or benign based on one or more of the following criteria: it is a conservative change, it occurs at a poorly conserved position in the protein, it is predicted to be benign by multiple in silico algorithms, and/or has population frequency not consistent with disease.

NM_020166.5(MCCC1):c.1084-217G>A

Gene: MCCC1 (methylcrotonyl-CoA carboxylase subunit 1; minus strand). Cytogenetic location: 3q27.1.
Variant type: single nucleotide variant.
Coding change: c.1084-217G>A on transcript NM_020166.5 (MANE Select); 217 bases into the intron before coding-DNA position 1084, G replaced by A.
Molecular consequence: intron variant.
Genome position (GRCh38, 1-based): chr3:183,041,967, C>T on the plus strand (G>A on the coding strand, the complement: MCCC1 is on the minus strand). VCF-style: chr3-183041967-C-T. GRCh37 (hg19) VCF-style: chr3-182759755-C-T.
Other names: c.757-217G>A (NM_001363880.1); c.733-217G>A (NM_001293273.2).
Identifiers: ClinVar variation 684202 (VCV000684202.1), dbSNP rs2292057, ClinGen allele CA15251368.
Genomic context (GRCh38, chr3:183,041,967, plus strand): 5'-GGGCAAAACAAAAAATTAAAAAACAGATGCAGCTTGGCAACAGTCTATCATTTGGGGTAT[C>T]GGAGTTTTTAAATGGCAAAAGCAGGCAAAGTGATGGCTAACTTACAAATATAAAAATCAG-3'